The following is an entry in ClinVar:

ClinVar aggregate classification (germline): Uncertain significance (1 of 4 stars; one submission).

Submission:

Labcorp Genetics (formerly Invitae), Labcorp
Classification: Uncertain significance. Last evaluated: 2021-06-18. Review status: criteria provided, single submitter. Criteria: Invitae Variant Classification Sherloc (09022015). Collection method: clinical testing. Allele origin: germline.
Comment: In summary, the available evidence is currently insufficient to determine the role of this variant in disease. Therefore, it has been classified as a Variant of Uncertain Significance. Algorithms developed to predict the effect of missense changes on protein structure and function are either unavailable or do not agree on the potential impact of this missense change (SIFT: "Not Available"; PolyPhen-2: "Possibly Damaging"; Align-GVGD: "Not Available"). This variant has not been reported in the literature in individuals with LCT-related conditions. This variant is not present in population databases (ExAC no frequency). This sequence change replaces glycine with aspartic acid at codon 1548 of the LCT protein (p.Gly1548Asp). The glycine residue is highly conserved and there is a moderate physicochemical difference between glycine and aspartic acid.

NM_002299.4(LCT):c.4643G>A (p.Gly1548Asp)

Gene: LCT (lactase; minus strand). Cytogenetic location: 2q21.3.
Variant type: single nucleotide variant.
Coding change: c.4643G>A on transcript NM_002299.4 (MANE Select); coding-DNA position 4643, G replaced by A.
Protein change: p.Gly1548Asp; replaces glycine 1548 with aspartic acid.
Molecular consequence: missense variant.
Genome position (GRCh38, 1-based): chr2:135,803,950, C>T on the plus strand (G>A on the coding strand, the complement: LCT is on the minus strand). VCF-style: chr2-135803950-C-T. GRCh37 (hg19) VCF-style: chr2-136561520-C-T.
Other names: short protein forms G1548D.
Identifiers: ClinVar variation 1499665 (VCV001499665.8), dbSNP rs2105528230, ClinGen allele CA348593688.